The following is an entry in ClinVar:

ClinVar aggregate classification (germline): Uncertain significance (1 of 4 stars; one submission).

Conditions:
Hereditary cancer-predisposing syndrome. Also called: Neoplastic Syndromes, Hereditary; Tumor predisposition; Hereditary neoplastic syndrome; Hereditary Cancer Syndrome. Identifiers: Orphanet 140162, MedGen C0027672, MeSH D009386, MONDO:0015356.

Submission:

Ambry Genetics
Classification: Uncertain significance for Hereditary cancer-predisposing syndrome. Last evaluated: 2026-07-06. Review status: criteria provided, single submitter. Criteria: Ambry Variant Classification Scheme 2023. Collection method: clinical testing. Allele origin: germline.
Comment: The p.G103C variant (also known as c.307G>T), located in coding exon 3 of the SDHD gene, results from a G to T substitution at nucleotide position 307. The glycine at codon 103 is replaced by cysteine, an amino acid with highly dissimilar properties. This amino acid position is conserved. In addition, this alteration is predicted to be deleterious by in silico analysis. Based on the available evidence, the clinical significance of this variant remains unclear.

NM_003002.4(SDHD):c.307G>T (p.Gly103Cys)

Gene: SDHD (succinate dehydrogenase complex subunit D; plus strand). Cytogenetic location: 11q23.1.
Variant type: single nucleotide variant.
Coding change: c.307G>T on transcript NM_003002.4 (MANE Select); coding-DNA position 307, G replaced by T.
Protein change: p.Gly103Cys; replaces glycine 103 with cysteine.
Molecular consequence: missense variant. On other transcripts: non-coding transcript variant (1), intron variant (1).
Genome position (GRCh38, 1-based): chr11:112,089,004, G>T. VCF-style: chr11-112089004-G-T. GRCh37 (hg19) VCF-style: chr11-111959728-G-T.
Other names: c.190G>T, p.Gly64Cys (NM_001276504.2); c.307G>T, p.Gly103Cys (NM_001276506.2); c.169+1031G>T (NM_001276503.2); short protein forms G64C, G103C.
Identifiers: ClinVar variation 5029369 (VCV005029369.1).